The following is an entry in ClinVar:

NM_000206.3(IL2RG):c.358A>G (p.Lys120Glu)

Gene: IL2RG (interleukin 2 receptor subunit gamma; minus strand). Cytogenetic location: Xq13.1.
Variant type: single nucleotide variant.
Coding change: c.358A>G on transcript NM_000206.3 (MANE Select); coding-DNA position 358, A replaced by G.
Protein change: p.Lys120Glu; replaces lysine 120 with glutamic acid.
Molecular consequence: missense variant.
Genome position (GRCh38, 1-based): chrX:71,110,600, T>C on the plus strand (A>G on the coding strand, the complement: IL2RG is on the minus strand). VCF-style: chrX-71110600-T-C. GRCh37 (hg19) VCF-style: chrX-70330450-T-C.
Other names: short protein forms K120E.
Identifiers: ClinVar variation 2831014 (VCV002831014.3), dbSNP rs2519647190, ClinGen allele CA413496742.

ClinVar aggregate classification (germline): Uncertain significance (1 of 4 stars; one submission).

Conditions:
X-linked severe combined immunodeficiency (SCIDX1). Also called: X-Linked Combined Immunodeficiency Diseases; IMMUNODEFICIENCY 4; SCID, X-LINKED; SEVERE COMBINED IMMUNODEFICIENCY, X-LINKED, T CELL-NEGATIVE, B CELL-POSITIVE, NK CELL-NEGATIVE; T-B+ severe combined immunodeficiency due to gamma chain deficiency. Identifiers: Orphanet 276, MedGen C6022468, MONDO:0010315, OMIM 300400. Disease mechanism: loss of function.

Submission:

Labcorp Genetics (formerly Invitae), Labcorp
Classification: Uncertain significance for X-linked severe combined immunodeficiency. Last evaluated: 2023-10-05. Review status: criteria provided, single submitter. Criteria: Invitae Variant Classification Sherloc (09022015). Collection method: clinical testing. Allele origin: germline.
Comment: This sequence change replaces lysine, which is basic and polar, with glutamic acid, which is acidic and polar, at codon 120 of the IL2RG protein (p.Lys120Glu). This variant is not present in population databases (gnomAD no frequency). This variant has not been reported in the literature in individuals affected with IL2RG-related conditions. Advanced modeling of protein sequence and biophysical properties (such as structural, functional, and spatial information, amino acid conservation, physicochemical variation, residue mobility, and thermodynamic stability) performed at Invitae indicates that this missense variant is not expected to disrupt IL2RG protein function. In summary, the available evidence is currently insufficient to determine the role of this variant in disease. Therefore, it has been classified as a Variant of Uncertain Significance.